The following is an entry in ClinVar:

ClinVar aggregate classification (germline): Uncertain significance. Review status: criteria provided, multiple submitters, no conflicts (2 of 4 stars). 2 submissions from 2 submitters: Uncertain significance (2). Last evaluated 2023-01-25.

Conditions:
Inborn genetic diseases. Identifiers: MedGen C0950123, MeSH D030342.

gnomAD v4.1: 1 of 1,614,108 alleles (0.000062%); highest among the groups gnomAD compares: Non-Finnish European, 0.000085%; no homozygotes.

Submissions (2):

Ambry Genetics
Classification: Uncertain significance for Inborn genetic diseases. Last evaluated: 2023-01-25. Review status: criteria provided, single submitter. Criteria: Ambry Variant Classification Scheme 2023. Collection method: clinical testing. Allele origin: germline.

GeneDx
Classification: Uncertain significance. Last evaluated: 2020-06-30. Review status: criteria provided, single submitter. Criteria: GeneDx Variant Classification Process June 2021. Collection method: clinical testing. Allele origin: germline. Affected: yes.
Comment: Has not been previously published as pathogenic or benign to our knowledge; Not observed in large population cohorts (Lek et al., 2016); In silico analysis supports that this missense variant has a deleterious effect on protein structure/function

NM_207034.3(EDN3):c.329A>G (p.Tyr110Cys)

Gene: EDN3 (endothelin 3; plus strand). Cytogenetic location: 20q13.32.
Variant type: single nucleotide variant.
Coding change: c.329A>G on transcript NM_207034.3 (MANE Select); coding-DNA position 329, A replaced by G.
Protein change: p.Tyr110Cys; replaces tyrosine 110 with cysteine.
Molecular consequence: missense variant.
Genome position (GRCh38, 1-based): chr20:59,301,686, A>G. VCF-style: chr20-59301686-A-G. GRCh37 (hg19) VCF-style: chr20-57876741-A-G.
Other names: c.329A>G, p.Tyr110Cys (NM_001302455.2, NM_001302456.2, NM_207032.3 and 1 more transcripts); short protein forms Y110C.
Identifiers: ClinVar variation 1304396 (VCV001304396.4), dbSNP rs1989049949, ClinGen allele CA409707100.